The following is an entry in ClinVar:

NM_138481.2(CHADL):c.1185T>G (p.Pro395=)

Gene: CHADL (chondroadherin like; minus strand). Cytogenetic location: 22q13.2.
Variant type: single nucleotide variant.
Coding change: c.1185T>G on transcript NM_138481.2 (MANE Select); coding-DNA position 1185, T replaced by G.
Protein change: p.Pro395=; no amino-acid change (proline 395 retained).
Molecular consequence: synonymous variant.
Genome position (GRCh38, 1-based): chr22:41,237,887, A>C on the plus strand (T>G on the coding strand, the complement: CHADL is on the minus strand). VCF-style: chr22-41237887-A-C. GRCh37 (hg19) VCF-style: chr22-41633891-A-C.
Identifiers: ClinVar variation 2653223 (VCV002653223.24), dbSNP rs2517907122, ClinGen allele CA514795723.

ClinVar aggregate classification (germline): Likely benign (1 of 4 stars; one submission).

Submission:

CeGaT Center for Human Genetics Tuebingen
Classification: Likely benign. Last evaluated: 2022-11-01. Review status: criteria provided, single submitter. Criteria: CeGaT Center For Human Genetics Tuebingen Variant Classification Criteria Version 2. Collection method: clinical testing. Allele origin: germline. Affected: yes. Observed: 1 variant allele.
Comment: CHADL: BP4, BP7